The following is an entry in ClinVar:

ClinVar aggregate classification (germline): Likely pathogenic. Review status: reviewed by expert panel (3 of 4 stars). 2 submissions from 2 submitters: Likely pathogenic (1). 1 of the submissions does not count toward it. Last evaluated 2025-10-17.

Conditions:
Hereditary antithrombin deficiency (AT3D). Also called: Antithrombin deficiency; Antithrombin III deficiency; Thrombophilia due to antithrombin III deficiency; Reduced antithrombin III activity. Identifiers: Orphanet 82, MedGen C0272375, MONDO:0013144, OMIM 613118, HP:0001976.

Submissions (2):

Clingen Thrombosis Variant Curation Expert Panel, ClinGen
Classification: Likely pathogenic for Hereditary antithrombin deficiency. Last evaluated: 2025-10-17. Review status: reviewed by expert panel. Criteria: ClinGen ACMG Specifications SERPINC1 V1.0.0. Collection method: curation. Allele origin: germline. Inheritance: Autosomal dominant inheritance.
Comment: The c.1058C>T variant in SERPINC1 is a missense variant predicted to cause substitution of proline by leucine at amino acid 353 (p.Pro353Leu). This variant has been reported in at least five probands meeting an antithrombin activity level of < 0.8 IU/mL, probands without a family history with reported AT activity levels or repeat testing were only awarded half a point (4 points; PS4; PMIDs:28300866, 25522812, 21264449). The computational predictor REVEL gives a score of 0.991, which is above the threshold of 0.6, evidence that correlates with impact to SERPINC1 function (PP3). This variant is absent from gnomAD v4.1.0 (PM2_Supporting). In summary, this variant meets the criteria to be classified as likely pathogenic for autosomal dominant hereditary antithrombin deficiency based on the ACMG/AMP criteria applied, as specified by the ClinGen Thrombosis VCEP: PS4, PP3, PM2_Supporting.

Labcorp Genetics (formerly Invitae), Labcorp
Classification: Likely pathogenic for Hereditary antithrombin deficiency. Last evaluated: 2023-11-19. Review status: criteria provided, single submitter. Criteria: Invitae Variant Classification Sherloc (09022015). Collection method: clinical testing. Allele origin: germline. Not counted in ClinVar's aggregate classification.
Comment: This sequence change replaces proline, which is neutral and non-polar, with leucine, which is neutral and non-polar, at codon 353 of the SERPINC1 protein (p.Pro353Leu). This variant is not present in population databases (gnomAD no frequency). This missense change has been observed in individuals with SERPINC1-related conditions (PMID: 21264449, 25522812, 28300866). Advanced modeling of protein sequence and biophysical properties (such as structural, functional, and spatial information, amino acid conservation, physicochemical variation, residue mobility, and thermodynamic stability) performed at Invitae indicates that this missense variant is expected to disrupt SERPINC1 protein function with a positive predictive value of 80%. This variant disrupts the p.Pro353 amino acid residue in SERPINC1. Other variant(s) that disrupt this residue have been determined to be pathogenic (PMID: 14754620, 29153735). This suggests that this residue is clinically significant, and that variants that disrupt this residue are likely to be disease-causing. In summary, the currently available evidence indicates that the variant is pathogenic, but additional data are needed to prove that conclusively. Therefore, this variant has been classified as Likely Pathogenic.

Literature cited by the submitters: PubMed 21264449 (cited by Labcorp Genetics (formerly Invitae), Labcorp); PubMed 25522812 (cited by Labcorp Genetics (formerly Invitae), Labcorp); PubMed 28300866 (cited by Labcorp Genetics (formerly Invitae), Labcorp); PubMed 14754620 (cited by Labcorp Genetics (formerly Invitae), Labcorp); PubMed 29153735 (cited by Labcorp Genetics (formerly Invitae), Labcorp).

NM_000488.4(SERPINC1):c.1058C>T (p.Pro353Leu)

Gene: SERPINC1 (serpin family C member 1; minus strand). Cytogenetic location: 1q25.1.
Variant type: single nucleotide variant.
Coding change: c.1058C>T on transcript NM_000488.4 (MANE Select); coding-DNA position 1058, C replaced by T.
Protein change: p.Pro353Leu; replaces proline 353 with leucine.
Molecular consequence: missense variant.
Genome position (GRCh38, 1-based): chr1:173,909,647, G>A on the plus strand (C>T on the coding strand, the complement: SERPINC1 is on the minus strand). VCF-style: chr1-173909647-G-A. GRCh37 (hg19) VCF-style: chr1-173878785-G-A.
Other names: NM_000488.4(SERPINC1):c.1058C>T; p.Pro353Leu; c.914C>T, p.Pro305Leu (NM_001365052.2); c.1181C>T, p.Pro394Leu (NM_001386302.1); c.1139C>T, p.Pro380Leu (NM_001386303.1); c.1037C>T, p.Pro346Leu (NM_001386304.1); c.1001C>T, p.Pro334Leu (NM_001386305.1); c.842C>T, p.Pro281Leu (NM_001386306.1); short protein forms P334L, P353L, P380L, P281L, P305L, P346L, P394L.
Identifiers: ClinVar variation 2734039 (VCV002734039.5), dbSNP rs2526569822, ClinGen allele CA343773664.